The following is an entry in ClinVar:

NM_030650.3(LNPK):c.476C>G (p.Thr159Ser)

Gene: LNPK (lunapark, ER junction formation factor; minus strand). Cytogenetic location: 2q31.1.
Variant type: single nucleotide variant.
Coding change: c.476C>G on transcript NM_030650.3 (MANE Select); coding-DNA position 476, C replaced by G.
Protein change: p.Thr159Ser; replaces threonine 159 with serine.
Molecular consequence: missense variant. On other transcripts: non-coding transcript variant (1).
Genome position (GRCh38, 1-based): chr2:175,964,389, G>C on the plus strand (C>G on the coding strand, the complement: LNPK is on the minus strand). VCF-style: chr2-175964389-G-C. GRCh37 (hg19) VCF-style: chr2-176829117-G-C.
Other names: NC_000002.11:g.176829117G>C; c.674C>G, p.Thr225Ser (NM_001305008.1); c.476C>G, p.Thr159Ser (NM_001305009.1); c.482C>G, p.Thr161Ser (NM_001305010.1); c.107C>G, p.Thr36Ser (NM_001305011.2); short protein forms T159S, T161S, T225S, T36S.
Identifiers: ClinVar variation 3056923 (VCV003056923.3), dbSNP rs34897061, ClinGen allele CA1975984.

ClinVar aggregate classification (germline): Benign (0 of 4 stars; one submission).

Conditions:
LNPK-related disorder. Also called: LNPK-related condition.

Allele frequency attached by ClinVar (database versions not stated): 1000 Genomes Project 0.01597; 1000 Genomes Project 30x 0.01640; TOPMed 0.03396; ExAC 0.03604; gnomAD 0.03651; ESP Exome Variant Server 0.04529; gnomAD exomes 0.05169.
gnomAD v4.1: 80,732 of 1,612,372 alleles (5%); highest among the groups gnomAD compares: Non-Finnish European, 6.1%; 2,437 homozygotes.

Submissions (32):

PreventionGenetics, part of Exact Sciences
Classification: Benign for LNPK-related condition. Last evaluated: 2019-04-27. Review status: no assertion criteria provided. Collection method: clinical testing. Allele origin: germline.
Comment: This variant is classified as benign based on ACMG/AMP sequence variant interpretation guidelines (Richards et al. 2015 PMID: 25741868, with internal and published modifications).

Dr. Peter K. Rogan Lab, Western University
No classification provided (evidence only). Condition: Acute myeloid leukemia. Review status: no classification provided. Collection method: in vitro. Allele origin: not applicable. Functional consequence: retained intron. Not counted in ClinVar's aggregate classification.

Dr. Peter K. Rogan Lab, Western University
No classification provided (evidence only). Condition: Acute myeloid leukemia. Review status: no classification provided. Collection method: in vitro. Allele origin: not applicable. Functional consequence: retained intron. Not counted in ClinVar's aggregate classification.

Dr. Peter K. Rogan Lab, Western University
No classification provided (evidence only). Condition: Acute myeloid leukemia. Review status: no classification provided. Collection method: in vitro. Allele origin: not applicable. Functional consequence: retained intron. Not counted in ClinVar's aggregate classification.

Dr. Peter K. Rogan Lab, Western University
No classification provided (evidence only). Condition: Acute myeloid leukemia. Review status: no classification provided. Collection method: in vitro. Allele origin: not applicable. Functional consequence: retained intron. Not counted in ClinVar's aggregate classification.

Dr. Peter K. Rogan Lab, Western University
No classification provided (evidence only). Condition: Acute myeloid leukemia. Review status: no classification provided. Collection method: in vitro. Allele origin: not applicable. Functional consequence: retained intron. Not counted in ClinVar's aggregate classification.

Dr. Peter K. Rogan Lab, Western University
No classification provided (evidence only). Condition: Acute myeloid leukemia. Review status: no classification provided. Collection method: in vitro. Allele origin: not applicable. Functional consequence: retained intron. Not counted in ClinVar's aggregate classification.

Dr. Peter K. Rogan Lab, Western University
No classification provided (evidence only). Condition: Acute myeloid leukemia. Review status: no classification provided. Collection method: in vitro. Allele origin: not applicable. Functional consequence: retained intron. Not counted in ClinVar's aggregate classification.

Dr. Peter K. Rogan Lab, Western University
No classification provided (evidence only). Condition: Acute myeloid leukemia. Review status: no classification provided. Collection method: in vitro. Allele origin: not applicable. Functional consequence: retained intron. Not counted in ClinVar's aggregate classification.

Dr. Peter K. Rogan Lab, Western University
No classification provided (evidence only). Condition: Acute myeloid leukemia. Review status: no classification provided. Collection method: in vitro. Allele origin: not applicable. Functional consequence: retained intron. Not counted in ClinVar's aggregate classification.

Dr. Peter K. Rogan Lab, Western University
No classification provided (evidence only). Condition: Acute myeloid leukemia. Review status: no classification provided. Collection method: in vitro. Allele origin: not applicable. Functional consequence: skipped exon. Not counted in ClinVar's aggregate classification.

Dr. Peter K. Rogan Lab, Western University
No classification provided (evidence only). Condition: Acute myeloid leukemia. Review status: no classification provided. Collection method: in vitro. Allele origin: not applicable. Functional consequence: retained intron. Not counted in ClinVar's aggregate classification.

Dr. Peter K. Rogan Lab, Western University
No classification provided (evidence only). Condition: Acute myeloid leukemia. Review status: no classification provided. Collection method: in vitro. Allele origin: not applicable. Functional consequence: retained intron. Not counted in ClinVar's aggregate classification.

Dr. Peter K. Rogan Lab, Western University
No classification provided (evidence only). Condition: Colon adenocarcinoma. Review status: no classification provided. Collection method: in vitro. Allele origin: not applicable. Functional consequence: retained intron. Not counted in ClinVar's aggregate classification.

Dr. Peter K. Rogan Lab, Western University
No classification provided (evidence only). Condition: Colon adenocarcinoma. Review status: no classification provided. Collection method: in vitro. Allele origin: not applicable. Functional consequence: retained intron. Not counted in ClinVar's aggregate classification.

Dr. Peter K. Rogan Lab, Western University
No classification provided (evidence only). Condition: Colon adenocarcinoma. Review status: no classification provided. Collection method: in vitro. Allele origin: not applicable. Functional consequence: retained intron. Not counted in ClinVar's aggregate classification.

Dr. Peter K. Rogan Lab, Western University
No classification provided (evidence only). Condition: Colon adenocarcinoma. Review status: no classification provided. Collection method: in vitro. Allele origin: not applicable. Functional consequence: retained intron. Not counted in ClinVar's aggregate classification.

Dr. Peter K. Rogan Lab, Western University
No classification provided (evidence only). Condition: Colon adenocarcinoma. Review status: no classification provided. Collection method: in vitro. Allele origin: not applicable. Functional consequence: retained intron. Not counted in ClinVar's aggregate classification.

Dr. Peter K. Rogan Lab, Western University
No classification provided (evidence only). Condition: Colon adenocarcinoma. Review status: no classification provided. Collection method: in vitro. Allele origin: not applicable. Functional consequence: retained intron. Not counted in ClinVar's aggregate classification.

Dr. Peter K. Rogan Lab, Western University
No classification provided (evidence only). Condition: Colorectal cancer. Review status: no classification provided. Collection method: in vitro. Allele origin: not applicable. Functional consequence: retained intron. Not counted in ClinVar's aggregate classification.

Dr. Peter K. Rogan Lab, Western University
No classification provided (evidence only). Condition: Uterine corpus endometrial carcinoma. Review status: no classification provided. Collection method: in vitro. Allele origin: not applicable. Functional consequence: retained intron. Not counted in ClinVar's aggregate classification.

Dr. Peter K. Rogan Lab, Western University
No classification provided (evidence only). Condition: Uterine corpus endometrial carcinoma. Review status: no classification provided. Collection method: in vitro. Allele origin: not applicable. Functional consequence: retained intron. Not counted in ClinVar's aggregate classification.

Dr. Peter K. Rogan Lab, Western University
No classification provided (evidence only). Condition: Cervical cancer. Review status: no classification provided. Collection method: in vitro. Allele origin: not applicable. Functional consequence: retained intron. Not counted in ClinVar's aggregate classification.

Dr. Peter K. Rogan Lab, Western University
No classification provided (evidence only). Condition: Cervical cancer. Review status: no classification provided. Collection method: in vitro. Allele origin: not applicable. Functional consequence: retained intron. Not counted in ClinVar's aggregate classification.

Dr. Peter K. Rogan Lab, Western University
No classification provided (evidence only). Condition: Nonpapillary renal cell carcinoma. Review status: no classification provided. Collection method: in vitro. Allele origin: not applicable. Functional consequence: skipped exon, retained intron. Not counted in ClinVar's aggregate classification.

Dr. Peter K. Rogan Lab, Western University
No classification provided (evidence only). Condition: Nonpapillary renal cell carcinoma. Review status: no classification provided. Collection method: in vitro. Allele origin: not applicable. Functional consequence: retained intron. Not counted in ClinVar's aggregate classification.

Dr. Peter K. Rogan Lab, Western University
No classification provided (evidence only). Condition: Thymoma. Review status: no classification provided. Collection method: in vitro. Allele origin: not applicable. Functional consequence: retained intron. Not counted in ClinVar's aggregate classification.

Dr. Peter K. Rogan Lab, Western University
No classification provided (evidence only). Condition: Thymoma. Review status: no classification provided. Collection method: in vitro. Allele origin: not applicable. Functional consequence: retained intron. Not counted in ClinVar's aggregate classification.

Dr. Peter K. Rogan Lab, Western University
No classification provided (evidence only). Condition: Thymoma. Review status: no classification provided. Collection method: in vitro. Allele origin: not applicable. Functional consequence: retained intron. Not counted in ClinVar's aggregate classification.

Dr. Peter K. Rogan Lab, Western University
No classification provided (evidence only). Condition: Thymoma. Review status: no classification provided. Collection method: in vitro. Allele origin: not applicable. Functional consequence: retained intron. Not counted in ClinVar's aggregate classification.

Dr. Peter K. Rogan Lab, Western University
No classification provided (evidence only). Condition: Thymoma. Review status: no classification provided. Collection method: in vitro. Allele origin: not applicable. Functional consequence: retained intron. Not counted in ClinVar's aggregate classification.

Dr. Peter K. Rogan Lab, Western University
No classification provided (evidence only). Condition: Uveal melanoma. Review status: no classification provided. Collection method: in vitro. Allele origin: not applicable. Functional consequence: retained intron. Not counted in ClinVar's aggregate classification.